The following is an entry in ClinVar:

NM_000441.2(SLC26A4):c.1100del (p.Val367fs)

Gene: SLC26A4 (solute carrier family 26 member 4; plus strand). Cytogenetic location: 7q22.3.
Variant type: Deletion.
Coding change: c.1100del on transcript NM_000441.2 (MANE Select); coding-DNA position 1100, one base deleted (T; older notation c.1100delT).
Protein change: p.Val367fs; shifts the reading frame from valine 367.
Molecular consequence: frameshift variant.
Genome position (GRCh38, 1-based): chr7:107,689,151, T deleted. VCF-style (leftmost placement, unchanged base first): chr7-107689150-GT-G. GRCh37 (hg19) VCF-style: chr7-107329595-GT-G.
Other names: short protein forms V367fs.
Identifiers: ClinVar variation 5013970 (VCV005013970.1).

ClinVar aggregate classification (germline): Pathogenic (1 of 4 stars; one submission).

Conditions:
Pendred syndrome (PDS). Also called: Pendred Syndrome (PDS); DEAFNESS WITH GOITER; GOITER-DEAFNESS SYNDROME; HYPOTHYROIDISM, CONGENITAL, DUE TO DYSHORMONOGENESIS, 2B; THYROID DYSHORMONOGENESIS 2B; THYROID HORMONOGENESIS, GENETIC DEFECT IN, 2B. Identifiers: Orphanet 705, MedGen C0271829, MONDO:0010134, OMIM 274600.

Submission:

Myriad Genetics, Inc.
Classification: Pathogenic for Pendred syndrome. Last evaluated: 2025-01-15. Review status: criteria provided, single submitter. Criteria: Myriad Autosomal Dominant, Autosomal Recessive and X-Linked Classification Criteria (2023). Collection method: clinical testing. Allele origin: unknown.
Comment: NM_000441.1(SLC26A4):c.1100delT(V367Efs*65) is expected to be pathogenic in the context of Pendred syndrome. This variant is predicted to lead to an abnormal or absent protein product due to the creation of a premature termination codon in SLC26A4, a gene where loss-of-function variants are known to be pathogenic. Please note: this variant was assessed in the context of healthy population screening.